The following is an entry in ClinVar:

NM_015346.4(ZFYVE26):c.6278dup (p.Phe2094fs)

Gene: ZFYVE26 (zinc finger FYVE-type containing 26; minus strand). Cytogenetic location: 14q24.1.
Variant type: Duplication.
Coding change: c.6278dup on transcript NM_015346.4 (MANE Select); coding-DNA position 6278, one base duplicated (C; older notation c.6278dupC).
Protein change: p.Phe2094fs; shifts the reading frame from phenylalanine 2094.
Molecular consequence: frameshift variant.
Genome position (GRCh38, 1-based): chr14:67,762,294, G duplicated on the plus strand (C on the coding strand, the reverse complement: ZFYVE26 is on the minus strand); the first of 5 consecutive G bases (chr14:67,762,294-67,762,298); duplicating any one gives the same sequence. VCF-style (leftmost placement, unchanged base first): chr14-67762293-T-TG. GRCh37 (hg19) VCF-style: chr14-68229010-T-TG.
Other names: short protein forms F2094fs.
Identifiers: ClinVar variation 930779 (VCV000930779.4), dbSNP rs755756797, ClinGen allele CA1139663517.

ClinVar aggregate classification (germline): Pathogenic/Likely pathogenic. Review status: criteria provided, multiple submitters, no conflicts (2 of 4 stars). 2 submissions from 2 submitters: Pathogenic (1); Likely pathogenic (1). Last evaluated 2024-05-08.

Conditions:
Hereditary spastic paraplegia 15 (SPG15). Also called: SPASTIC PARAPLEGIA 15, AUTOSOMAL RECESSIVE; SPASTIC PARAPLEGIA AND RETINAL DEGENERATION; KJELLIN SYNDROME. Identifiers: Orphanet 100996, MedGen C1849128, MONDO:0010044, OMIM 270700.

Allele frequency attached by ClinVar (database versions not stated): TOPMed 0.00001 and below 0.00001; gnomAD exomes below 0.00001; ExAC 0.00001; ESP Exome Variant Server 0.00232; gnomAD 0.00001.

Submissions (2):

Myriad Genetics, Inc.
Classification: Pathogenic for Hereditary spastic paraplegia 15. Last evaluated: 2024-05-08. Review status: criteria provided, single submitter. Criteria: Myriad Autosomal Dominant, Autosomal Recessive and X-Linked Classification Criteria (2023). Collection method: clinical testing. Allele origin: unknown.
Comment: NM_015346.3(ZFYVE26):c.6278dupC(F2094Ifs*2) is expected to be pathogenic in the context of spastic paraplegia type 15. This variant is predicted to lead to an abnormal or absent protein product due to the creation of a premature termination codon in ZFYVE26, a gene where loss-of-function variants are known to be pathogenic. Please note: this variant was assessed in the context of healthy population screening.

Centre for Mendelian Genomics, University Medical Centre Ljubljana
Classification: Likely pathogenic for Hereditary spastic paraplegia 15. Last evaluated: 2019-09-25. Review status: criteria provided, single submitter. Criteria: ACMG Guidelines, 2015. Collection method: clinical testing. Allele origin: unknown. Affected: yes.
Comment: This variant was classified as: Likely pathogenic. The following ACMG criteria were applied in classifying this variant: PVS1,PM2.